The following is an entry in ClinVar:

NM_000163.5(GHR):c.1745G>A (p.Gly582Glu)

Gene: GHR (growth hormone receptor; plus strand). Cytogenetic location: 5p12.
Variant type: single nucleotide variant.
Coding change: c.1745G>A on transcript NM_000163.5 (MANE Select); coding-DNA position 1745, G replaced by A.
Protein change: p.Gly582Glu; replaces glycine 582 with glutamic acid.
Molecular consequence: missense variant. On other transcripts: 3 prime UTR variant (1).
Genome position (GRCh38, 1-based): chr5:42,719,252, G>A. VCF-style: chr5-42719252-G-A. GRCh37 (hg19) VCF-style: chr5-42719354-G-A.
Other names: c.1766G>A, p.Gly589Glu (NM_001242399.2); c.1745G>A, p.Gly582Glu (NM_001242400.2, NM_001242401.4, NM_001242402.2 and 4 more transcripts); c.1679G>A, p.Gly560Glu (NM_001242460.2); c.*787G>A (NM_001242462.1); short protein forms G582E, G560E, G589E.
Identifiers: ClinVar variation 905169 (VCV000905169.6), dbSNP rs1017271370, ClinGen allele CA117805614.
Genomic context (GRCh38, chr5:42,719,252, plus strand): 5'-AAGAGGACATTTACATCACCACAGAAAGCCTTACCACTGCTGCTGGGAGGCCTGGGACAG[G>A]AGAACATGTTCCAGGTTCTGAGATGCCTGTCCCAGACTATACCTCCATTCATATAGTACA-3'
Protein context (NP_000154.1, residues 572-592): LTTAAGRPGT[Gly582Glu]EHVPGSEMPV

ClinVar aggregate classification (germline): Uncertain significance. Review status: criteria provided, multiple submitters, no conflicts (2 of 4 stars). 2 submissions from 2 submitters: Uncertain significance (2). Last evaluated 2021-08-31.

Conditions:
Laron-type isolated somatotropin defect. Also called: GROWTH HORMONE RECEPTOR DEFICIENCY; Laron Syndrome; Growth hormone binding protein deficiency or dysfunction; Growth hormone receptor deficiency or dysfunction; Laron dwarfism; Laron type pituitary dwarfism I. Identifiers: Orphanet 633, MedGen C0271568, MONDO:0009877, OMIM 262500.

Allele frequency attached by ClinVar (database versions not stated): gnomAD exomes below 0.00001; TOPMed below 0.00001; gnomAD 0.00001.
gnomAD v4.1: 2 of 1,613,914 alleles (0.00012%); highest among the groups gnomAD compares: East Asian, 0.0022%; no homozygotes.

Submissions (2):

Labcorp Genetics (formerly Invitae), Labcorp
Classification: Uncertain significance. Last evaluated: 2021-08-31. Review status: criteria provided, single submitter. Criteria: Invitae Variant Classification Sherloc (09022015). Collection method: clinical testing. Allele origin: germline.
Comment: This sequence change replaces glycine with glutamic acid at codon 582 of the GHR protein (p.Gly582Glu). The glycine residue is weakly conserved and there is a moderate physicochemical difference between glycine and glutamic acid. This variant is not present in population databases (ExAC no frequency). This variant has not been reported in the literature in individuals affected with GHR-related conditions. ClinVar contains an entry for this variant (Variation ID: 905169). Algorithms developed to predict the effect of missense changes on protein structure and function (SIFT, PolyPhen-2, Align-GVGD) all suggest that this variant is likely to be tolerated. In summary, the available evidence is currently insufficient to determine the role of this variant in disease. Therefore, it has been classified as a Variant of Uncertain Significance.

Illumina Laboratory Services, Illumina
Classification: Uncertain significance for Laron-type isolated somatotropin defect. Last evaluated: 2018-01-12. Review status: criteria provided, single submitter. Criteria: ICSL Variant Classification Criteria 13 December 2019. Collection method: clinical testing. Allele origin: germline.